The following is an entry in ClinVar:

NM_001367624.2(ZNF469):c.5151C>A (p.Pro1717=)

Gene: ZNF469 (zinc finger protein 469; plus strand). Cytogenetic location: 16q24.2.
Variant type: single nucleotide variant.
Coding change: c.5151C>A on transcript NM_001367624.2 (MANE Select); coding-DNA position 5151, C replaced by A.
Protein change: p.Pro1717=; no amino-acid change (proline 1717 retained).
Molecular consequence: synonymous variant.
Genome position (GRCh38, 1-based): chr16:88,432,621, C>A. VCF-style: chr16-88432621-C-A. GRCh37 (hg19) VCF-style: chr16-88499029-C-A.
Other names: NM_001127464.1:c.5067C>A.
Identifiers: ClinVar variation 2421596 (VCV002421596.32), dbSNP rs768346137, ClinGen allele CA286377071.

ClinVar aggregate classification (germline): Likely benign. Review status: criteria provided, multiple submitters, no conflicts (2 of 4 stars). 3 submissions from 3 submitters: Likely benign (3). Last evaluated 2025-11-11.

Conditions:
Cardiovascular phenotype. Identifiers: MedGen CN230736.

gnomAD v4.1: 14 of 1,550,328 alleles (0.0009%); highest among the groups gnomAD compares: African/African-American, 0.0055%; no homozygotes.

Submissions (3):

Labcorp Genetics (formerly Invitae), Labcorp
Classification: Likely benign. Last evaluated: 2025-11-11. Review status: criteria provided, single submitter. Criteria: Invitae Variant Classification Sherloc (09022015). Collection method: clinical testing. Allele origin: germline.

Ambry Genetics
Classification: Likely benign for Cardiovascular phenotype. Last evaluated: 2025-02-13. Review status: criteria provided, single submitter. Criteria: Ambry Variant Classification Scheme 2023. Collection method: clinical testing. Allele origin: germline.

CeGaT Center for Human Genetics Tuebingen
Classification: Likely benign. Last evaluated: 2022-12-01. Review status: criteria provided, single submitter. Criteria: CeGaT Center For Human Genetics Tuebingen Variant Classification Criteria Version 2. Collection method: clinical testing. Allele origin: germline. Affected: yes. Observed: 1 variant allele.
Comment: ZNF469: BP4, BP7